The following is an entry in ClinVar:

NM_000051.4(ATM):c.8413A>G (p.Met2805Val)

Genes: ATM (ATM serine/threonine kinase; plus strand), C11orf65 (chromosome 11 open reading frame 65; minus strand). Cytogenetic location: 11q22.3.
Variant type: single nucleotide variant.
Coding change: c.8413A>G on transcript NM_000051.4 (MANE Select); coding-DNA position 8413, A replaced by G.
Protein change: p.Met2805Val; replaces methionine 2805 with valine.
Molecular consequence: missense variant. On other transcripts: intron variant (2).
Genome position (GRCh38, 1-based): chr11:108,343,366, A>G. VCF-style: chr11-108343366-A-G. GRCh37 (hg19) VCF-style: chr11-108214093-A-G.
Other names: c.8413A>G, p.Met2805Val (NM_001351834.2); c.641-34295T>C (NM_001330368.2); c.695-8074T>C (NM_001351110.2); short protein forms M2805V.
Identifiers: ClinVar variation 1959969 (VCV001959969.5), dbSNP rs2547419885, ClinGen allele CA382516829.
Genomic context (GRCh38, chr11:108,343,366, plus strand): 5'-GATGGTGCTCATAAAAGATACAGGCCAAATGATTTCAGTGCCTTTCAGTGCCAAAAGAAA[A>G]TGATGGTGAGTGACACCCAAAATTAAAGGTTATTGTAAGATTATTTAATGGCTTATTAAA-3'
Protein context (NP_000042.3, residues 2795-2815): DFSAFQCQKK[Met2805Val]MEVQKKSFEE

ClinVar aggregate classification (germline): Uncertain significance. Review status: criteria provided, multiple submitters, no conflicts (2 of 4 stars). 2 submissions from 2 submitters: Uncertain significance (2). Last evaluated 2024-05-15.

Conditions:
Familial cancer of breast. Also called: BREAST CANCER, FAMILIAL; Hereditary breast cancer; hereditary breast carcinoma. Identifiers: Orphanet 227535, MedGen C0346153, MONDO:0016419, OMIM 114480. Disease mechanism: loss of function.
Ataxia-telangiectasia syndrome (AT). Also called: Ataxia-telangiectasia, complementation group D; AT, COMPLEMENTATION GROUP C; ATAXIA-TELANGIECTASIA, COMPLEMENTATION GROUP A; ATAXIA-TELANGIECTASIA, FRESNO VARIANT; Ataxia-telangiectasia, complementation group E; LOUIS-BAR SYNDROME. Identifiers: Orphanet 100, MedGen C0004135, MONDO:0008840, OMIM 208900.

Submissions (2):

Labcorp Genetics (formerly Invitae), Labcorp
Classification: Uncertain significance for Ataxia-telangiectasia syndrome. Last evaluated: 2024-05-15. Review status: criteria provided, single submitter. Criteria: Invitae Variant Classification Sherloc (09022015). Collection method: clinical testing. Allele origin: germline.
Comment: This sequence change replaces methionine, which is neutral and non-polar, with valine, which is neutral and non-polar, at codon 2805 of the ATM protein (p.Met2805Val). This variant is not present in population databases (gnomAD no frequency). This variant has not been reported in the literature in individuals affected with ATM-related conditions. ClinVar contains an entry for this variant (Variation ID: 1959969). An algorithm developed to predict the effect of missense changes on protein structure and function (PolyPhen-2) suggests that this variant is likely to be disruptive. In summary, the available evidence is currently insufficient to determine the role of this variant in disease. Therefore, it has been classified as a Variant of Uncertain Significance.

Baylor Genetics
Classification: Uncertain significance for Familial cancer of breast. Last evaluated: 2023-10-26. Review status: criteria provided, single submitter. Criteria: ACMG Guidelines, 2015. Collection method: clinical testing. Allele origin: unknown.